The following is an entry in ClinVar:

ClinVar aggregate classification (germline): Uncertain significance (1 of 4 stars; one submission).

Submission:

Labcorp Genetics (formerly Invitae), Labcorp
Classification: Uncertain significance. Last evaluated: 2022-11-01. Review status: criteria provided, single submitter. Criteria: Invitae Variant Classification Sherloc (09022015). Collection method: clinical testing. Allele origin: germline.
Comment: This sequence change replaces leucine, which is neutral and non-polar, with phenylalanine, which is neutral and non-polar, at codon 342 of the LAMC3 protein (p.Leu342Phe). In summary, the available evidence is currently insufficient to determine the role of this variant in disease. Therefore, it has been classified as a Variant of Uncertain Significance. Algorithms developed to predict the effect of missense changes on protein structure and function are either unavailable or do not agree on the potential impact of this missense change (SIFT: "Deleterious"; PolyPhen-2: "Probably Damaging"; Align-GVGD: "Class C0"). ClinVar contains an entry for this variant (Variation ID: 1406114). This variant has not been reported in the literature in individuals affected with LAMC3-related conditions. This variant is not present in population databases (gnomAD no frequency).

NM_006059.4(LAMC3):c.1024C>T (p.Leu342Phe)

Gene: LAMC3 (laminin subunit gamma 3; plus strand). Cytogenetic location: 9q34.12.
Variant type: single nucleotide variant.
Coding change: c.1024C>T on transcript NM_006059.4 (MANE Select); coding-DNA position 1024, C replaced by T.
Protein change: p.Leu342Phe; replaces leucine 342 with phenylalanine.
Molecular consequence: missense variant.
Genome position (GRCh38, 1-based): chr9:131,038,911, C>T. VCF-style: chr9-131038911-C-T. GRCh37 (hg19) VCF-style: chr9-133914298-C-T.
Other names: short protein forms L342F.
Identifiers: ClinVar variation 1406114 (VCV001406114.6), dbSNP rs766494345, ClinGen allele CA375258578.